The following is an entry in ClinVar:

NM_000026.4(ADSL):c.1010+1G>C

Gene: ADSL (adenylosuccinate lyase; plus strand). Cytogenetic location: 22q13.1.
Variant type: single nucleotide variant.
Coding change: c.1010+1G>C on transcript NM_000026.4 (MANE Select); the canonical splice donor site of the intron after coding-DNA position 1010, G replaced by C.
Molecular consequence: splice donor variant. On other transcripts: non-coding transcript variant (1).
Genome position (GRCh38, 1-based): chr22:40,361,636, G>C. VCF-style: chr22-40361636-G-C. GRCh37 (hg19) VCF-style: chr22-40757640-G-C.
Other names: c.1010+1G>C (NM_001363840.3, NM_001410812.1, NM_001123378.3 and 1 more transcripts); c.965+1G>C (NM_001410814.1); c.818+1G>C (NM_001317923.2).
Identifiers: ClinVar variation 2783157 (VCV002783157.3), dbSNP rs1404801471, ClinGen allele CA411644718.
Genomic context (GRCh38, chr22:40,361,636, plus strand): 5'-CCCGCTACAGACAGCATCTGTCCAGTGGTTTGAACGCACACTGGATGATAGTGCCAACCG[G>C]TCAGTGGCACAGGGACATCACATACACCAAGTTGAGTGGAGGTCTGAAGGAGGGACCTAG-3'

ClinVar aggregate classification (germline): Likely pathogenic (1 of 4 stars; one submission).

Conditions:
Adenylosuccinate lyase deficiency (ADSLD). Also called: ADSL DEFICIENCY. Identifiers: Orphanet 46, MedGen C0268126, MONDO:0007068, OMIM 103050.

Allele frequency attached by ClinVar (database versions not stated): gnomAD exomes below 0.00001.
gnomAD v4.1: 1 of 1,612,954 alleles (0.000062%); highest among the groups gnomAD compares: Admixed American, 0.0017%; no homozygotes.

Submission:

Labcorp Genetics (formerly Invitae), Labcorp
Classification: Likely pathogenic for Adenylosuccinate lyase deficiency. Last evaluated: 2024-08-31. Review status: criteria provided, single submitter. Criteria: Invitae Variant Classification Sherloc (09022015). Collection method: clinical testing. Allele origin: germline.
Comment: This sequence change affects a donor splice site in intron 9 of the ADSL gene. It is expected to disrupt RNA splicing. Variants that disrupt the donor or acceptor splice site typically lead to a loss of protein function (PMID: 16199547), and loss-of-function variants in ADSL are known to be pathogenic (PMID: 10888601, 20177786). This variant is present in population databases (no rsID available, gnomAD 0.003%). This variant has not been reported in the literature in individuals affected with ADSL-related conditions. Algorithms developed to predict the effect of sequence changes on RNA splicing suggest that this variant may disrupt the consensus splice site. In summary, the currently available evidence indicates that the variant is pathogenic, but additional data are needed to prove that conclusively. Therefore, this variant has been classified as Likely Pathogenic.

Literature cited by the submitters: PubMed 16199547; PubMed 10888601; PubMed 20177786.